The following is an entry in ClinVar:

ClinVar aggregate classification (germline): Uncertain significance (1 of 4 stars; one submission).

Conditions:
Niemann-Pick disease, type B. Also called: Chronic Visceral ASMD (Niemann-Pick Disease Type B; NPD-B). Identifiers: Orphanet 77293, MedGen C0268243, MONDO:0011871, OMIM 607616. Disease mechanism: loss of function.
Niemann-Pick disease, type A. Also called: Infantile Neurovisceral ASMD (Niemann-Pick Disease Type A; NPD-A); SPHINGOMYELIN LIPIDOSIS; SPHINGOMYELINASE DEFICIENCY. Identifiers: Orphanet 77292, MedGen C0268242, MONDO:0009756, OMIM 257200. Disease mechanism: loss of function.

Allele frequency attached by ClinVar (database versions not stated): TOPMed below 0.00001; ExAC 0.00001; gnomAD 0.00001; gnomAD exomes 0.00001.

Submission:

Labcorp Genetics (formerly Invitae), Labcorp
Classification: Uncertain significance for Niemann-Pick disease, type B; Niemann-Pick disease, type A. Last evaluated: 2021-12-15. Review status: criteria provided, single submitter. Criteria: Invitae Variant Classification Sherloc (09022015). Collection method: clinical testing. Allele origin: germline.
Comment: This sequence change replaces arginine, which is basic and polar, with cysteine, which is neutral and slightly polar, at codon 561 of the SMPD1 protein (p.Arg561Cys). This variant is present in population databases (rs774190691, gnomAD 0.002%). This variant has not been reported in the literature in individuals affected with SMPD1-related conditions. Advanced modeling of protein sequence and biophysical properties (such as structural, functional, and spatial information, amino acid conservation, physicochemical variation, residue mobility, and thermodynamic stability) performed at Invitae indicates that this missense variant is expected to disrupt SMPD1 protein function. In summary, the available evidence is currently insufficient to determine the role of this variant in disease. Therefore, it has been classified as a Variant of Uncertain Significance.

NM_000543.5(SMPD1):c.1681C>T (p.Arg561Cys)

Gene: SMPD1 (sphingomyelin phosphodiesterase 1; plus strand). Cytogenetic location: 11p15.4.
Variant type: single nucleotide variant.
Coding change: c.1681C>T on transcript NM_000543.5 (MANE Select); coding-DNA position 1681, C replaced by T.
Protein change: p.Arg561Cys; replaces arginine 561 with cysteine.
Molecular consequence: missense variant. On other transcripts: 3 prime UTR variant (1), non-coding transcript variant (2).
Genome position (GRCh38, 1-based): chr11:6,394,392, C>T. VCF-style: chr11-6394392-C-T. GRCh37 (hg19) VCF-style: chr11-6415622-C-T.
Other names: c.1678C>T, p.Arg560Cys (NM_001007593.3); c.*174C>T (NM_001318087.2); c.760C>T, p.Arg254Cys (NM_001318088.2); c.1549C>T, p.Arg517Cys (NM_001365135.2); short protein forms R254C, R560C, R517C, R561C.
Identifiers: ClinVar variation 1499870 (VCV001499870.3), dbSNP rs774190691, ClinGen allele CA5852965.
Genomic context (GRCh38, chr11:6,394,392, plus strand): 5'-GCTCGAGAAACCTATGGGCTGCCCAACACACTGCCTACCGCCTGGCACAACCTGGTATAT[C>T]GCATGCGGGGCGACATGCAACTTTTCCAGACCTTCTGGTTTCTCTACCATAAGGGCCACC-3'
Protein context (NP_000534.3, residues 551-571): LPTAWHNLVY[Arg561Cys]MRGDMQLFQT